The following is an entry in ClinVar:

ClinVar aggregate classification (germline): Likely benign. Review status: criteria provided, multiple submitters, no conflicts (2 of 4 stars). 2 submissions from 2 submitters: Likely benign (2). Last evaluated 2024-12-04.

Conditions:
NOTCH3-related disorder. Also called: NOTCH3-related condition; NOTCH3-related disorders.

Allele frequency attached by ClinVar (database versions not stated): gnomAD 0.00001; TOPMed 0.00002.

Submissions (2):

PreventionGenetics, part of Exact Sciences
Classification: Likely benign for NOTCH3-related condition. Last evaluated: 2024-12-04. Review status: criteria provided, single submitter. Criteria: ACMG Guidelines, 2015. Collection method: clinical testing. Allele origin: germline.
Comment: This variant is classified as likely benign based on ACMG/AMP sequence variant interpretation guidelines (Richards et al. 2015 PMID: 25741868, with internal and published modifications).

Labcorp Genetics (formerly Invitae), Labcorp
Classification: Likely benign. Last evaluated: 2024-02-23. Review status: criteria provided, single submitter. Criteria: Invitae Variant Classification Sherloc (09022015). Collection method: clinical testing. Allele origin: germline.

NM_000435.3(NOTCH3):c.3602G>A (p.Arg1201His)

Gene: NOTCH3 (notch receptor 3; minus strand). Cytogenetic location: 19p13.12.
Variant type: single nucleotide variant.
Coding change: c.3602G>A on transcript NM_000435.3 (MANE Select); coding-DNA position 3602, G replaced by A.
Protein change: p.Arg1201His; replaces arginine 1201 with histidine.
Molecular consequence: missense variant.
Genome position (GRCh38, 1-based): chr19:15,179,141, C>T on the plus strand (G>A on the coding strand, the complement: NOTCH3 is on the minus strand). VCF-style: chr19-15179141-C-T. GRCh37 (hg19) VCF-style: chr19-15289952-C-T.
Other names: c.3602G>A (NM_000435.2); short protein forms R1201H.
Identifiers: ClinVar variation 2078304 (VCV002078304.5), dbSNP rs778635935, ClinGen allele CA9263041.